The following is an entry in ClinVar:

NM_001388453.1(QRICH2):c.2546A>G (p.His849Arg)

Gene: QRICH2 (glutamine rich 2; minus strand). Cytogenetic location: 17q25.1.
Variant type: single nucleotide variant.
Coding change: c.2546A>G on transcript NM_001388453.1 (MANE Select); coding-DNA position 2546, A replaced by G.
Protein change: p.His849Arg; replaces histidine 849 with arginine.
Molecular consequence: missense variant.
Genome position (GRCh38, 1-based): chr17:76,292,181, T>C on the plus strand (A>G on the coding strand, the complement: QRICH2 is on the minus strand). VCF-style: chr17-76292181-T-C. GRCh37 (hg19) VCF-style: chr17-74288262-T-C.
Other names: c.2546A>G, p.His849Arg (NM_032134.3); short protein forms H849R.
Identifiers: ClinVar variation 3059047 (VCV003059047.2), dbSNP rs3826286, ClinGen allele CA8784014.

ClinVar aggregate classification (germline): Benign (0 of 4 stars; one submission).

Conditions:
QRICH2-related disorder. Also called: QRICH2-related condition.

Allele frequency attached by ClinVar (database versions not stated): gnomAD exomes 0.31489; ExAC 0.35031; ESP Exome Variant Server 0.42050; gnomAD 0.46475; 1000 Genomes Project 0.47664.
gnomAD v4.1: 512,646 of 1,561,486 alleles (33%); highest among the groups gnomAD compares: African/African-American, 68%; 89,383 homozygotes.

Submission:

PreventionGenetics, part of Exact Sciences
Classification: Benign for QRICH2-related condition. Last evaluated: 2019-10-21. Review status: no assertion criteria provided. Collection method: clinical testing. Allele origin: germline.
Comment: This variant is classified as benign based on ACMG/AMP sequence variant interpretation guidelines (Richards et al. 2015 PMID: 25741868, with internal and published modifications).